The following is an entry in ClinVar:

NM_002485.5(NBN):c.480+5G>T

Gene: NBN (nibrin; minus strand). Cytogenetic location: 8q21.3.
Variant type: single nucleotide variant.
Coding change: c.480+5G>T on transcript NM_002485.5 (MANE Select); 5 bases into the intron after coding-DNA position 480, G replaced by T.
Molecular consequence: intron variant.
Genome position (GRCh38, 1-based): chr8:89,980,729, C>A on the plus strand (G>T on the coding strand, the complement: NBN is on the minus strand). VCF-style: chr8-89980729-C-A. GRCh37 (hg19) VCF-style: chr8-90992957-C-A.
Other names: c.234+5G>T (NM_001024688.3).
Identifiers: ClinVar variation 1743195 (VCV001743195.2), dbSNP rs753578226, ClinGen allele CA2580079172.

ClinVar aggregate classification (germline): Uncertain significance (1 of 4 stars; one submission).

Conditions:
Hereditary cancer-predisposing syndrome. Also called: Hereditary Cancer Syndrome; Neoplastic Syndromes, Hereditary; Tumor predisposition; Hereditary neoplastic syndrome. Identifiers: Orphanet 140162, MedGen C0027672, MeSH D009386, MONDO:0015356.

Submission:

Ambry Genetics
Classification: Uncertain significance for Hereditary cancer-predisposing syndrome. Last evaluated: 2021-06-07. Review status: criteria provided, single submitter. Criteria: Ambry Variant Classification Scheme 2023. Collection method: clinical testing. Allele origin: germline.
Comment: The c.480+5G>T intronic variant results from a G to T substitution 5 nucleotides after coding exon 4 in the NBN gene. This nucleotide position is highly conserved in available vertebrate species. In silico splice site analysis predicts that this alteration will weaken the native splice donor site and may result in the creation or strengthening of a novel splice donor site. Since supporting evidence is limited at this time, the clinical significance of this alteration remains unclear.